The following is an entry in ClinVar:

NM_005732.4(RAD50):c.2999A>G (p.Asp1000Gly)

Gene: RAD50 (RAD50 double strand break repair protein; plus strand). Cytogenetic location: 5q31.1.
Variant type: single nucleotide variant.
Coding change: c.2999A>G on transcript NM_005732.4 (MANE Select); coding-DNA position 2999, A replaced by G.
Protein change: p.Asp1000Gly; replaces aspartic acid 1000 with glycine.
Molecular consequence: missense variant.
Genome position (GRCh38, 1-based): chr5:132,609,359, A>G. VCF-style: chr5-132609359-A-G. GRCh37 (hg19) VCF-style: chr5-131945051-A-G.
Other names: short protein forms D1000G.
Identifiers: ClinVar variation 573373 (VCV000573373.9), dbSNP rs1186188551, ClinGen allele CA360960824.

ClinVar aggregate classification (germline): Uncertain significance (1 of 4 stars; one submission).

Conditions:
Hereditary cancer-predisposing syndrome. Also called: Neoplastic Syndromes, Hereditary; Hereditary Cancer Syndrome; Tumor predisposition; Hereditary neoplastic syndrome. Identifiers: Orphanet 140162, MedGen C0027672, MeSH D009386, MONDO:0015356.

Submission:

Labcorp Genetics (formerly Invitae), Labcorp
Classification: Uncertain significance for Hereditary cancer-predisposing syndrome. Last evaluated: 2023-05-02. Review status: criteria provided, single submitter. Criteria: Invitae Variant Classification Sherloc (09022015). Collection method: clinical testing. Allele origin: germline.
Comment: RNA analysis performed to evaluate the impact of this missense change on mRNA splicing indicates it does not significantly alter splicing (Invitae). This sequence change replaces aspartic acid, which is acidic and polar, with glycine, which is neutral and non-polar, at codon 1000 of the RAD50 protein (p.Asp1000Gly). This variant is not present in population databases (gnomAD no frequency). This variant has not been reported in the literature in individuals affected with RAD50-related conditions. ClinVar contains an entry for this variant (Variation ID: 573373). Advanced modeling of protein sequence and biophysical properties (such as structural, functional, and spatial information, amino acid conservation, physicochemical variation, residue mobility, and thermodynamic stability) performed at Invitae indicates that this missense variant is not expected to disrupt RAD50 protein function. In summary, the available evidence is currently insufficient to determine the role of this variant in disease. Therefore, it has been classified as a Variant of Uncertain Significance.